The following is an entry in ClinVar:

ClinVar aggregate classification (germline): Pathogenic (1 of 4 stars; one submission).

Conditions:
Megalencephalic leukoencephalopathy with subcortical cysts 1 (MLC1). Also called: LEUKOENCEPHALOPATHY WITH SWELLING AND CYSTS; VACUOLATING MEGALENCEPHALIC LEUKOENCEPHALOPATHY WITH SUBCORTICAL CYSTS. Identifiers: Orphanet 2478, MedGen C5779875, MONDO:0024555, OMIM 604004.

Submission:

Myriad Genetics, Inc.
Classification: Pathogenic for Megalencephalic leukoencephalopathy with subcortical cysts 1. Last evaluated: 2023-09-03. Review status: criteria provided, single submitter. Criteria: Myriad Autosomal Dominant, Autosomal Recessive and X-Linked Classification Criteria (2023). Collection method: clinical testing. Allele origin: unknown.
Comment: NM_015166.3(MLC1):c.270_271del2ins13(P92Rfs*9) is expected to be pathogenic in the context of megalencephalic leukoencephalopathy with subcortical cysts. This variant is predicted to lead to an abnormal or absent protein product due to the creation of a premature termination codon in MLC1, a gene where loss-of-function variants are known to be pathogenic. Please note: this variant was assessed in the context of healthy population screening.

NM_015166.4(MLC1):c.270_271delinsTATAAGAGACAGT (p.Pro92fs)

Gene: MLC1 (modulator of VRAC current 1; minus strand). Cytogenetic location: 22q13.33.
Variant type: Indel.
Coding change: c.270_271delinsTATAAGAGACAGT on transcript NM_015166.4 (MANE Select); coding-DNA positions 270 to 271, CA replaced by TATAAGAGACAGT.
Protein change: p.Pro92fs; shifts the reading frame from proline 92.
Molecular consequence: frameshift variant. On other transcripts: non-coding transcript variant (3), intron variant (2).
Genome position (GRCh38, 1-based): chr22:50,080,394-50,080,395, TG replaced by ACTGTCTCTTATA on the plus strand (CA replaced by TATAAGAGACAGT on the coding strand, the reverse complement: MLC1 is on the minus strand). VCF-style: chr22-50080394-TG-ACTGTCTCTTATA. GRCh37 (hg19) VCF-style: chr22-50518823-TG-ACTGTCTCTTATA.
Other names: c.270_271delinsTATAAGAGACAGT, p.Pro92fs (NM_001376472.1, NM_001376473.1, NM_001376474.1 and 7 more transcripts); c.180_181delinsTATAAGAGACAGT, p.Pro62fs (NM_001376480.1); c.33_34delinsTATAAGAGACAGT, p.Pro13fs (NM_001376484.1); c.267+2689_267+2690delinsTATAAGAGACAGT (NM_001376482.1, NM_001376483.1); short protein forms P13fs, P62fs, P92fs.
Identifiers: ClinVar variation 5011524 (VCV005011524.1).
Genomic context (GRCh38, chr22:50,080,394, plus strand): 5'-CTAGACTCACCACATTGGCGTTCCTCCTGGAGACGGTGAAGCTCACAATTGCCGAGGGGA[TG>ACTGTCTCTTATA]CACTGGAATGAAACCGGAATCCCATGAGCCTGCCGCTCACCTGAGCAACTGAGACTCTGA-3'